The following is an entry in ClinVar:

NC_000002.11:g.(?_29519744)_(29519933_?)del

Gene: ALK (ALK receptor tyrosine kinase; minus strand). Cytogenetic location: 2p23.2.
Variant type: Deletion.
Identifiers: ClinVar variation 1421928 (VCV001421928.3).

ClinVar aggregate classification (germline): Uncertain significance (1 of 4 stars; one submission).

Conditions:
Neuroblastoma, susceptibility to, 3. Also called: ALK-Related Neuroblastic Tumor Susceptibility. Identifiers: Orphanet 635, MedGen C2751681, MONDO:0013083, OMIM 613014.

Submission:

Labcorp Genetics (formerly Invitae), Labcorp
Classification: Uncertain significance for Neuroblastoma, susceptibility to, 3. Last evaluated: 2021-09-10. Review status: criteria provided, single submitter. Criteria: Invitae Variant Classification Sherloc (09022015). Collection method: clinical testing. Allele origin: germline.
Comment: This variant is a gross deletion of the genomic region encompassing exon(s) 9 of the ALK gene. This deletion is out-of-frame, and is expected to create a premature translational stop signal and result in an absent or disrupted protein product. However, the current clinical and genetic evidence is not sufficient to establish whether loss-of-function variants in ALK cause disease. This variant has not been reported in the literature in individuals affected with ALK-related conditions. In summary, the available evidence is currently insufficient to determine the role of this variant in disease. Therefore, it has been classified as a Variant of Uncertain Significance.